The following is an entry in ClinVar:

ClinVar aggregate classification (germline): Benign. Review status: criteria provided, multiple submitters, no conflicts (2 of 4 stars). 3 submissions from 3 submitters: Benign (3). Last evaluated 2021-05-12.

Conditions:
Familial hyperaldosteronism type III. Also called: FH III; Familial hyperaldosteronism type 3. Identifiers: Orphanet 251274, MedGen C3838758, MONDO:0013359, OMIM 613677.

Allele frequency attached by ClinVar (database versions not stated): 1000 Genomes Project 30x 0.67958; 1000 Genomes Project 0.68231; TOPMed 0.68844; gnomAD exomes 0.72667; gnomAD 0.68788 and 0.69021.
gnomAD v4.1: 105,230 of 152,166 alleles (69%); highest among the groups gnomAD compares: South Asian, 77%; 36,709 homozygotes.

Submissions (3):

GeneDx
Classification: Benign. Last evaluated: 2021-05-12. Review status: criteria provided, single submitter. Criteria: GeneDx Variant Classification Process June 2021. Collection method: clinical testing. Allele origin: germline. Affected: yes.

Illumina Laboratory Services, Illumina
Classification: Benign for Familial hyperaldosteronism type III. Last evaluated: 2018-01-13. Review status: criteria provided, single submitter. Criteria: ICSL Variant Classification Criteria 13 December 2019. Collection method: clinical testing. Allele origin: germline.
Comment: This variant was observed in the ICSL laboratory as part of a predisposition screen in an ostensibly healthy population. It had not been previously curated by ICSL or reported in the Human Gene Mutation Database (HGMD: prior to June 1st, 2018), and was therefore a candidate for classification through an automated scoring system. Utilizing variant allele frequency, disease prevalence and penetrance estimates, and inheritance mode, an automated score was calculated to assess if this variant is too frequent to cause the disease. Based on the score and internal cut-off values, a variant classified as benign is not then subjected to further curation. The score for this variant resulted in a classification of benign for this disease.

Breakthrough Genomics
Classification: Benign. Review status: criteria provided, single submitter. Criteria: ACMG Guidelines, 2015. Collection method: not provided. Allele origin: germline. Inheritance: Autosomal dominant inheritance. Affected: yes.

NM_000890.5(KCNJ5):c.*1063G>A

Gene: KCNJ5 (potassium inwardly rectifying channel subfamily J member 5; plus strand). Cytogenetic location: 11q24.3.
Variant type: single nucleotide variant.
Coding change: c.*1063G>A on transcript NM_000890.5 (MANE Select); 1063 bases downstream of the stop codon, G replaced by A.
Molecular consequence: 3 prime UTR variant.
Genome position (GRCh38, 1-based): chr11:128,917,794, G>A. VCF-style: chr11-128917794-G-A. GRCh37 (hg19) VCF-style: chr11-128787689-G-A.
Other names: c.*1063G>A (LRG_333t1, NM_001354169.2).
Identifiers: ClinVar variation 303660 (VCV000303660.9), dbSNP rs2846696, ClinGen allele CA10638531.